The following is an entry in ClinVar:

NM_001385012.1(NBEA):c.1016A>G (p.Asn339Ser)

Gene: NBEA (neurobeachin; plus strand). Cytogenetic location: 13q13.3.
Variant type: single nucleotide variant.
Coding change: c.1016A>G on transcript NM_001385012.1 (MANE Select); coding-DNA position 1016, A replaced by G.
Protein change: p.Asn339Ser; replaces asparagine 339 with serine.
Molecular consequence: missense variant.
Genome position (GRCh38, 1-based): chr13:35,056,053, A>G. VCF-style: chr13-35056053-A-G. GRCh37 (hg19) VCF-style: chr13-35630190-A-G.
Other names: c.1016A>G, p.Asn339Ser (NM_001379245.1, NM_015678.5); short protein forms N339S.
Identifiers: ClinVar variation 3900886 (VCV003900886.2).

ClinVar aggregate classification (germline): Uncertain significance (1 of 4 stars; one submission).

Submission:

GeneDx
Classification: Uncertain significance. Last evaluated: 2026-09-07. Review status: criteria provided, single submitter. Criteria: GeneDx Variant Classification Process June 2021. Collection method: clinical testing. Allele origin: germline.
Comment: Not observed at significant frequency in large population cohorts (gnomAD); In silico analysis supports that this missense variant has a deleterious effect on protein structure/function; Has not been previously published as pathogenic or benign to our knowledge